The following is an entry in ClinVar:

NM_004371.4(COPA):c.779G>A (p.Arg260His)

Gene: COPA (coat protein complex I subunit alpha; minus strand). Cytogenetic location: 1q23.2.
Variant type: single nucleotide variant.
Coding change: c.779G>A on transcript NM_004371.4 (MANE Select); coding-DNA position 779, G replaced by A.
Protein change: p.Arg260His; replaces arginine 260 with histidine.
Molecular consequence: missense variant.
Genome position (GRCh38, 1-based): chr1:160,314,053, C>T on the plus strand (G>A on the coding strand, the complement: COPA is on the minus strand). VCF-style: chr1-160314053-C-T. GRCh37 (hg19) VCF-style: chr1-160283843-C-T.
Other names: c.779G>A, p.Arg260His (NM_001098398.2); short protein forms R260H.
Identifiers: ClinVar variation 1509811 (VCV001509811.7), dbSNP rs1381216320, ClinGen allele CA343264081.

ClinVar aggregate classification (germline): Uncertain significance. Review status: criteria provided, multiple submitters, no conflicts (2 of 4 stars). 2 submissions from 2 submitters: Uncertain significance (2). Last evaluated 2026-04-15.

Conditions:
Autoimmune interstitial lung disease-arthritis syndrome. Also called: Autoinflammation and autoimmunity, systemic, with immune dysregulation. Identifiers: Orphanet 444092, MedGen C5975714, MONDO:0014629.

Allele frequency attached by ClinVar (database versions not stated): gnomAD exomes 0.00001; TOPMed 0.00001.
gnomAD v4.1: 8 of 1,613,748 alleles (0.0005%); highest among the groups gnomAD compares: South Asian, 0.0033%; no homozygotes.

Submissions (2):

Women's Health and Genetics/Laboratory Corporation of America, LabCorp
Classification: Uncertain significance. Last evaluated: 2026-04-15. Review status: criteria provided, single submitter. Criteria: LabCorp Variant Classification Summary - May 2015. Collection method: clinical testing. Allele origin: germline.
Comment: Variant summary: COPA c.779G>A (p.Arg260His) results in a non-conservative amino acid change in the encoded protein sequence. Algorithms developed to predict the effect of missense changes on protein structure and function are either unavailable or do not agree on the potential impact of this missense change. The variant allele was found at a frequency of 8e-06 in 251092 control chromosomes. The available data on variant occurrences in the general population are insufficient to allow any conclusion about variant significance. To our knowledge, no occurrence of c.779G>A in individuals affected with COPA-related conditions and no experimental evidence demonstrating its impact on protein function have been reported. ClinVar contains an entry for this variant (Variation ID: 1509811). Based on the evidence outlined above, the variant was classified as uncertain significance.

Labcorp Genetics (formerly Invitae), Labcorp
Classification: Uncertain significance for Autoimmune interstitial lung disease-arthritis syndrome. Last evaluated: 2023-08-17. Review status: criteria provided, single submitter. Criteria: Invitae Variant Classification Sherloc (09022015). Collection method: clinical testing. Allele origin: germline.
Comment: This variant is present in population databases (no rsID available, gnomAD 0.007%). This sequence change replaces arginine, which is basic and polar, with histidine, which is basic and polar, at codon 260 of the COPA protein (p.Arg260His). Advanced modeling of protein sequence and biophysical properties (such as structural, functional, and spatial information, amino acid conservation, physicochemical variation, residue mobility, and thermodynamic stability) performed at Invitae indicates that this missense variant is not expected to disrupt COPA protein function. ClinVar contains an entry for this variant (Variation ID: 1509811). This variant has not been reported in the literature in individuals affected with COPA-related conditions. In summary, the available evidence is currently insufficient to determine the role of this variant in disease. Therefore, it has been classified as a Variant of Uncertain Significance.